The following is an entry in ClinVar:

ClinVar aggregate classification (germline): Uncertain significance (1 of 4 stars; one submission).

Conditions:
RYR1-related disorder. Also called: RYR1-related condition; RYR1-related disorders. Identifiers: MedGen CN239331.

Submission:

Labcorp Genetics (formerly Invitae), Labcorp
Classification: Uncertain significance for RYR1-related disorder. Last evaluated: 2023-05-22. Review status: criteria provided, single submitter. Criteria: Invitae Variant Classification Sherloc (09022015). Collection method: clinical testing. Allele origin: germline.
Comment: In summary, the available evidence is currently insufficient to determine the role of this variant in disease. Therefore, it has been classified as a Variant of Uncertain Significance. Advanced modeling of protein sequence and biophysical properties (such as structural, functional, and spatial information, amino acid conservation, physicochemical variation, residue mobility, and thermodynamic stability) has been performed at Invitae for this missense variant, however the output from this modeling did not meet the statistical confidence thresholds required to predict the impact of this variant on RYR1 protein function. ClinVar contains an entry for this variant (Variation ID: 2179271). This variant has not been reported in the literature in individuals affected with RYR1-related conditions. This variant is not present in population databases (gnomAD no frequency). This sequence change replaces glutamic acid, which is acidic and polar, with aspartic acid, which is acidic and polar, at codon 2205 of the RYR1 protein (p.Glu2205Asp).

NM_000540.3(RYR1):c.6615G>C (p.Glu2205Asp)

Gene: RYR1 (ryanodine receptor 1; plus strand). Cytogenetic location: 19q13.2.
Variant type: single nucleotide variant.
Coding change: c.6615G>C on transcript NM_000540.3 (MANE Select); coding-DNA position 6615, G replaced by C.
Protein change: p.Glu2205Asp; replaces glutamic acid 2205 with aspartic acid.
Molecular consequence: missense variant.
Genome position (GRCh38, 1-based): chr19:38,496,281, G>C. VCF-style: chr19-38496281-G-C. GRCh37 (hg19) VCF-style: chr19-38986921-G-C.
Other names: c.6615G>C, p.Glu2205Asp (NM_001042723.2); short protein forms E2205D.
Identifiers: ClinVar variation 2179271 (VCV002179271.4), dbSNP rs181195904, ClinGen allele CA405665903.